The following is an entry in ClinVar:

ClinVar aggregate classification (germline): Uncertain significance (1 of 4 stars; one submission).

Conditions:
Hereditary cancer-predisposing syndrome. Also called: Neoplastic Syndromes, Hereditary; Tumor predisposition; Hereditary Cancer Syndrome; Hereditary neoplastic syndrome. Identifiers: Orphanet 140162, MedGen C0027672, MeSH D009386, MONDO:0015356.

Submission:

Ambry Genetics
Classification: Uncertain significance for Hereditary cancer-predisposing syndrome. Last evaluated: 2026-03-27. Review status: criteria provided, single submitter. Criteria: Ambry Variant Classification Scheme 2023. Collection method: clinical testing. Allele origin: germline.
Comment: The p.A521P variant (also known as c.1561G>C), located in coding exon 11 of the PMS2 gene, results from a G to C substitution at nucleotide position 1561. The alanine at codon 521 is replaced by proline, an amino acid with highly similar properties. This amino acid position is conserved. In addition, this alteration is predicted to be tolerated by in silico analysis. Based on the available evidence, the clinical significance of this variant remains unclear.

NM_000535.7(PMS2):c.1561G>C (p.Ala521Pro)

Gene: PMS2 (PMS1 homolog 2, mismatch repair system component; minus strand). Cytogenetic location: 7p22.1.
Variant type: single nucleotide variant.
Coding change: c.1561G>C on transcript NM_000535.7 (MANE Select); coding-DNA position 1561, G replaced by C.
Protein change: p.Ala521Pro; replaces alanine 521 with proline.
Molecular consequence: missense variant. On other transcripts: intron variant (1), non-coding transcript variant (1).
Genome position (GRCh38, 1-based): chr7:5,987,204, C>G on the plus strand (G>C on the coding strand, the complement: PMS2 is on the minus strand). VCF-style: chr7-5987204-C-G. GRCh37 (hg19) VCF-style: chr7-6026835-C-G.
Other names: c.804-4213G>C (NM_001406912.1); c.1156G>C, p.Ala386Pro (NM_001322005.2, NM_001322009.2, NM_001322003.2 and 16 more transcripts); c.1405G>C, p.Ala469Pro (NM_001322006.2, NM_001406870.1); c.1243G>C, p.Ala415Pro (NM_001322007.2, NM_001322008.2, NM_001406876.1 and 2 more transcripts); c.1000G>C, p.Ala334Pro (NM_001322010.2, NM_001406906.1, NM_001406907.1); c.628G>C, p.Ala210Pro (NM_001322011.2, NM_001322012.2); c.988G>C, p.Ala330Pro (NM_001322013.2, NM_001406909.1); c.1252G>C, p.Ala418Pro (NM_001406875.1, NM_001406877.1, NM_001406878.1 and 5 more transcripts); and 13 more; short protein forms A210P, A264P, A330P, A334P, A350P, A363P, A366P, A386P.
Identifiers: ClinVar variation 4862097 (VCV004862097.1).
Genomic context (GRCh38, chr7:5,987,204, plus strand): 5'-TAGGCGCTTTCTCCTGAGAGTCCACATGTTCCTGCGAGCCCCTGTCCCCTGGGGAGCTGG[C>G]CGCATACTCGCTGCTGCAGTGACTGCCCGTGTCTGGGATGCTGAACCCCTCAGAATCCAC-3'
Protein context (NP_000526.2, residues 511-531): TGSHCSSEYA[Ala521Pro]SSPGDRGSQE